The following is an entry in ClinVar:

ClinVar aggregate classification (germline): Likely pathogenic (1 of 4 stars; one submission).

Conditions:
Autosomal recessive polycystic kidney disease (ARPKD). Also called: AR polycystic kidney disease. Identifiers: Orphanet 731, Orphanet 8378, MedGen C0085548, MeSH D017044, MONDO:0009889.

Submission:

Natera, Inc.
Classification: Likely pathogenic for Autosomal recessive polycystic kidney disease. Last evaluated: 2025-01-18. Review status: criteria provided, single submitter. Criteria: Natera Variant Classification Schema (03/2026). Collection method: clinical testing. Allele origin: germline.
Comment: The c.11175-1G>A variant in PKHD1 is a canonical splice acceptor site variant predicted to affect pre-mRNA splicing, which may result in an abnormal transcript and altered protein product. This variant is expected to result in nonsense mediated decay, truncation, or a dysfunctional protein product. This variant is rare in the general population with a frequency below the threshold expected for the associated phenotype(s). Given the available evidence, this variant is classified as Likely Pathogenic.

NM_138694.4(PKHD1):c.11175-1G>A

Gene: PKHD1 (PKHD1 ciliary IPT domain containing fibrocystin/polyductin; minus strand). Cytogenetic location: 6p12.3.
Variant type: single nucleotide variant.
Coding change: c.11175-1G>A on transcript NM_138694.4 (MANE Select); the canonical splice acceptor site of the intron before coding-DNA position 11175, G replaced by A.
Molecular consequence: splice acceptor variant.
Genome position (GRCh38, 1-based): chr6:51,649,221, C>T on the plus strand (G>A on the coding strand, the complement: PKHD1 is on the minus strand). VCF-style: chr6-51649221-C-T. GRCh37 (hg19) VCF-style: chr6-51514019-C-T.
Identifiers: ClinVar variation 4060363 (VCV004060363.2).